The following is an entry in ClinVar:

ClinVar aggregate classification (germline): Uncertain significance. Review status: criteria provided, multiple submitters, no conflicts (2 of 4 stars). 2 submissions from 2 submitters: Uncertain significance (2). Last evaluated 2026-07-13.

Conditions:
Cardiovascular phenotype. Identifiers: MedGen CN230736.
RASopathy. Also called: rasopathies; Noonan spectrum disorder. Identifiers: Orphanet 536391, MedGen C5555857, MONDO:0021060.

Submissions (2):

Ambry Genetics
Classification: Uncertain significance for Cardiovascular phenotype. Last evaluated: 2026-07-13. Review status: criteria provided, single submitter. Criteria: Ambry Variant Classification Scheme 2023. Collection method: clinical testing. Allele origin: germline.
Comment: The p.G751V variant (also known as c.2252G>T) is located in coding exon 15 of the CBL gene. The glycine at codon 751 is replaced by valine, an amino acid with dissimilar properties. This change occurs in the first base pair of coding exon 15. This amino acid position is conserved. In addition, this alteration is predicted to be tolerated by in silico analysis. Based on the available evidence, the clinical significance of this variant remains unclear.

Labcorp Genetics (formerly Invitae), Labcorp
Classification: Uncertain significance for RASopathy. Last evaluated: 2021-10-28. Review status: criteria provided, single submitter. Criteria: Invitae Variant Classification Sherloc (09022015). Collection method: clinical testing. Allele origin: germline.
Comment: Algorithms developed to predict the effect of missense changes on protein structure and function (SIFT, PolyPhen-2, Align-GVGD) all suggest that this variant is likely to be tolerated. Algorithms developed to predict the effect of sequence changes on RNA splicing suggest that this variant may disrupt the consensus splice site. In summary, the available evidence is currently insufficient to determine the role of this variant in disease. Therefore, it has been classified as a Variant of Uncertain Significance. This variant has not been reported in the literature in individuals affected with CBL-related conditions. This sequence change replaces glycine, which is neutral and non-polar, with valine, which is neutral and non-polar, at codon 751 of the CBL protein (p.Gly751Val). This variant is not present in population databases (gnomAD no frequency).

NM_005188.4(CBL):c.2252G>T (p.Gly751Val)

Gene: CBL (Cbl proto-oncogene; plus strand). Cytogenetic location: 11q23.3.
Variant type: single nucleotide variant.
Coding change: c.2252G>T on transcript NM_005188.4 (MANE Select); coding-DNA position 2252, G replaced by T.
Protein change: p.Gly751Val; replaces glycine 751 with valine.
Molecular consequence: missense variant.
Genome position (GRCh38, 1-based): chr11:119,298,358, G>T. VCF-style: chr11-119298358-G-T. GRCh37 (hg19) VCF-style: chr11-119169068-G-T.
Other names: c.2252G>T (NM_005188.2); short protein forms G751V.
Identifiers: ClinVar variation 1490373 (VCV001490373.7), dbSNP rs2135320929, ClinGen allele CA382928904.